The following is an entry in ClinVar:

NM_005529.7(HSPG2):c.3528G>C (p.Gln1176His)

Gene: HSPG2 (heparan sulfate proteoglycan 2; minus strand). Cytogenetic location: 1p36.12.
Variant type: single nucleotide variant.
Coding change: c.3528G>C on transcript NM_005529.7 (MANE Select); coding-DNA position 3528, G replaced by C.
Protein change: p.Gln1176His; replaces glutamine 1176 with histidine.
Molecular consequence: missense variant.
Genome position (GRCh38, 1-based): chr1:21,874,616, C>G on the plus strand (G>C on the coding strand, the complement: HSPG2 is on the minus strand). VCF-style: chr1-21874616-C-G. GRCh37 (hg19) VCF-style: chr1-22201109-C-G.
Other names: c.3531G>C, p.Gln1177His (NM_001291860.2); short protein forms Q1176H, Q1177H.
Identifiers: ClinVar variation 4873202 (VCV004873202.2).

ClinVar aggregate classification (germline): Uncertain significance (1 of 4 stars; one submission).

Submission:

CeGaT Center for Human Genetics Tuebingen
Classification: Uncertain significance. Last evaluated: 2026-06-01. Review status: criteria provided, single submitter. Criteria: CeGaT Center For Human Genetics Tuebingen Variant Classification Criteria Version 2. Collection method: clinical testing. Allele origin: germline. Affected: yes. Observed: 1 variant allele.
Comment: HSPG2: PM2, BP4